The following is an entry in ClinVar:

ClinVar aggregate classification (germline): Uncertain significance. Review status: criteria provided, multiple submitters, no conflicts (2 of 4 stars). 3 submissions from 3 submitters: Uncertain significance (3). Last evaluated 2026-04-01.

Conditions:
Inborn genetic diseases. Identifiers: MedGen C0950123, MeSH D030342.
Nemaline myopathy 2 (NEM2). Also called: Nemaline myopathy 2, autosomal recessive. Identifiers: MedGen C1850569, MONDO:0009725, OMIM 256030.

Allele frequency attached by ClinVar (database versions not stated): gnomAD exomes below 0.00001.
gnomAD v4.1: 7 of 1,613,904 alleles (0.00043%); highest among the groups gnomAD compares: Middle Eastern, 0.017%; no homozygotes.

Submissions (3):

CeGaT Center for Human Genetics Tuebingen
Classification: Uncertain significance. Last evaluated: 2026-04-01. Review status: criteria provided, single submitter. Criteria: CeGaT Center For Human Genetics Tuebingen Variant Classification Criteria Version 2. Collection method: clinical testing. Allele origin: germline. Affected: yes. Observed: 1 variant allele.
Comment: NEB: PM2, BP4

Labcorp Genetics (formerly Invitae), Labcorp
Classification: Uncertain significance for Nemaline myopathy 2. Last evaluated: 2025-11-18. Review status: criteria provided, single submitter. Criteria: Invitae Variant Classification Sherloc (09022015). Collection method: clinical testing. Allele origin: germline.
Comment: This sequence change replaces proline, which is neutral and non-polar, with glutamine, which is neutral and polar, at codon 2535 of the NEB protein (p.Pro2535Gln). This variant is not present in population databases (gnomAD no frequency). This variant has not been reported in the literature in individuals affected with NEB-related conditions. ClinVar contains an entry for this variant (Variation ID: 2494874). Experimental studies and prediction algorithms are not available or were not evaluated, and the functional significance of this variant is currently unknown. In summary, the available evidence is currently insufficient to determine the role of this variant in disease. Therefore, it has been classified as a Variant of Uncertain Significance.

Ambry Genetics
Classification: Uncertain significance for Inborn genetic diseases. Last evaluated: 2023-03-07. Review status: criteria provided, single submitter. Criteria: Ambry Variant Classification Scheme 2023. Collection method: clinical testing. Allele origin: germline.

NM_001164508.2(NEB):c.7604C>A (p.Pro2535Gln)

Gene: NEB (nebulin; minus strand). Cytogenetic location: 2q23.3.
Variant type: single nucleotide variant.
Coding change: c.7604C>A on transcript NM_001164508.2 (MANE Select); coding-DNA position 7604, C replaced by A.
Protein change: p.Pro2535Gln; replaces proline 2535 with glutamine.
Molecular consequence: missense variant.
Genome position (GRCh38, 1-based): chr2:151,644,508, G>T on the plus strand (C>A on the coding strand, the complement: NEB is on the minus strand). VCF-style: chr2-151644508-G-T. GRCh37 (hg19) VCF-style: chr2-152501022-G-T.
Other names: c.7604C>A, p.Pro2535Gln (NM_001164507.2, NM_001271208.2, NM_004543.5); short protein forms P2535Q.
Identifiers: ClinVar variation 2494874 (VCV002494874.5), dbSNP rs2098929293, ClinGen allele CA348783122.
Genomic context (GRCh38, chr2:151,644,508, plus strand): 5'-AACAGAGGATAAAATCTTACTTCACTGGCAATTTCCCGGGAGGCTTTTGCTGCTTTGATT[G>T]GTATGGCATCAACAGGAAGATCGTAACCTTTTCTCTTCAGCTCCTCATAACCCATTCGGT-3'
Protein context (NP_001157980.2, residues 2525-2545): KGYDLPVDAI[Pro2535Gln]IKAAKASREI